The following is an entry in ClinVar:

ClinVar aggregate classification (germline): Benign (1 of 4 stars; one submission).

Allele frequency attached by ClinVar (database versions not stated): 1000 Genomes Project 0.00120; 1000 Genomes Project 30x 0.00125; TOPMed 0.00189; gnomAD 0.00232; ESP Exome Variant Server 0.00246; gnomAD exomes 0.00276; ExAC 0.00325.
gnomAD v4.1: 4,361 of 1,614,056 alleles (0.27%); highest among the groups gnomAD compares: South Asian, 0.4%; 12 homozygotes.

Submission:

CeGaT Center for Human Genetics Tuebingen
Classification: Benign. Last evaluated: 2023-04-01. Review status: criteria provided, single submitter. Criteria: CeGaT Center For Human Genetics Tuebingen Variant Classification Criteria Version 2. Collection method: clinical testing. Allele origin: germline. Affected: yes. Observed: 3 variant alleles.
Comment: NUMA1: BP4, BS1, BS2

NM_006185.4(NUMA1):c.2427A>T (p.Glu809Asp)

Genes: NUMA1 (nuclear mitotic apparatus protein 1; minus strand), NUMA1-AS1 (NUMA1 antisense RNA 1; plus strand). Cytogenetic location: 11q13.4.
Variant type: single nucleotide variant.
Coding change: c.2427A>T on transcript NM_006185.4 (MANE Select); coding-DNA position 2427, A replaced by T.
Protein change: p.Glu809Asp; replaces glutamic acid 809 with aspartic acid.
Molecular consequence: missense variant.
Genome position (GRCh38, 1-based): chr11:72,015,076, T>A on the plus strand (A>T on the coding strand, the complement: NUMA1 is on the minus strand). VCF-style: chr11-72015076-T-A. GRCh37 (hg19) VCF-style: chr11-71726122-T-A.
Other names: c.2427A>T, p.Glu809Asp (NM_001286561.2); short protein forms E809D.
Identifiers: ClinVar variation 2642114 (VCV002642114.24), dbSNP rs143000254, ClinGen allele CA6167455.